The following is an entry in ClinVar:

NM_018975.4(TERF2IP):c.101G>T (p.Arg34Leu)

Gene: TERF2IP (TERF2 interacting protein; plus strand). Cytogenetic location: 16q23.1.
Variant type: single nucleotide variant.
Coding change: c.101G>T on transcript NM_018975.4 (MANE Select); coding-DNA position 101, G replaced by T.
Protein change: p.Arg34Leu; replaces arginine 34 with leucine.
Molecular consequence: missense variant. On other transcripts: non-coding transcript variant (1).
Genome position (GRCh38, 1-based): chr16:75,647,983, G>T. VCF-style: chr16-75647983-G-T. GRCh37 (hg19) VCF-style: chr16-75681881-G-T.
Other names: short protein forms R34L.
Identifiers: ClinVar variation 1756422 (VCV001756422.2), dbSNP rs202094250, ClinGen allele CA8177934.

ClinVar aggregate classification (germline): Uncertain significance (1 of 4 stars; one submission).

Allele frequency attached by ClinVar (database versions not stated): ExAC 0.00001; gnomAD 0.00001; 1000 Genomes Project 30x 0.00016; 1000 Genomes Project 0.00020.

Submission:

Ambry Genetics
Classification: Uncertain significance. Last evaluated: 2022-09-30. Review status: criteria provided, single submitter. Criteria: Ambry Variant Classification Scheme 2023. Collection method: clinical testing. Allele origin: germline.
Comment: The p.R34L variant (also known as c.101G>T), located in coding exon 1 of the TERF2IP gene, results from a G to T substitution at nucleotide position 101. The arginine at codon 34 is replaced by leucine, an amino acid with dissimilar properties. This amino acid position is conserved. In addition, this alteration is predicted to be deleterious by in silico analysis. Since supporting evidence is limited at this time, the clinical significance of this alteration remains unclear.